The following is an entry in ClinVar:

ClinVar aggregate classification (germline): Likely benign (1 of 4 stars; one submission).

Allele frequency attached by ClinVar (database versions not stated): gnomAD exomes 0.00003; ExAC 0.00018; ESP Exome Variant Server 0.00023; gnomAD 0.00025; TOPMed 0.00030.
gnomAD v4.1: 254 of 1,610,312 alleles (0.016%); highest among the groups gnomAD compares: East Asian, 0.06%; 17 homozygotes.

Submission:

CeGaT Center for Human Genetics Tuebingen
Classification: Likely benign. Last evaluated: 2023-03-01. Review status: criteria provided, single submitter. Criteria: CeGaT Center For Human Genetics Tuebingen Variant Classification Criteria Version 2. Collection method: clinical testing. Allele origin: germline. Affected: yes. Observed: 1 variant allele.
Comment: GBP2: BP4, BP7

NM_004120.5(GBP2):c.315G>A (p.Glu105=)

Gene: GBP2 (guanylate binding protein 2; minus strand). Cytogenetic location: 1p22.2.
Variant type: single nucleotide variant.
Coding change: c.315G>A on transcript NM_004120.5 (MANE Select); coding-DNA position 315, G replaced by A.
Protein change: p.Glu105=; no amino-acid change (glutamic acid 105 retained).
Molecular consequence: synonymous variant.
Genome position (GRCh38, 1-based): chr1:89,121,146, C>T on the plus strand (G>A on the coding strand, the complement: GBP2 is on the minus strand). VCF-style: chr1-89121146-C-T. GRCh37 (hg19) VCF-style: chr1-89586829-C-T.
Identifiers: ClinVar variation 2638918 (VCV002638918.24), dbSNP rs147250118, ClinGen allele CA940623.
Genomic context (GRCh38, chr1:89,121,146, plus strand): 5'-GTTTATGTAGATTTTAATCTACCTAAGTGAAATTTTTAAAATACTTATTTTTTTTACCTT[C>T]TCTATATCTCCCAGGCCCTCAGTGTCGAGCAGAACTAGGGTGTGTTCTGGCTTCTTGGGA-3'
Protein context (NP_004111.2, residues 95-115): LLDTEGLGDI[Glu105=]KGDNENDSWI